The following is an entry in ClinVar:

NM_001244008.2(KIF1A):c.824T>A (p.Leu275Gln)

Gene: KIF1A (kinesin family member 1A; minus strand). Cytogenetic location: 2q37.3.
Variant type: single nucleotide variant.
Coding change: c.824T>A on transcript NM_001244008.2 (MANE Select); coding-DNA position 824, T replaced by A.
Protein change: p.Leu275Gln; replaces leucine 275 with glutamine.
Molecular consequence: missense variant.
Genome position (GRCh38, 1-based): chr2:240,783,084, A>T on the plus strand (T>A on the coding strand, the complement: KIF1A is on the minus strand). VCF-style: chr2-240783084-A-T. GRCh37 (hg19) VCF-style: chr2-241722501-A-T.
Other names: c.824T>A, p.Leu275Gln (NM_001320705.2, NM_001330289.2, NM_001330290.2 and 21 more transcripts); short protein forms L275Q.
Identifiers: ClinVar variation 2946720 (VCV002946720.3), dbSNP rs2054279545, ClinGen allele CA351302603.
Genomic context (GRCh38, chr2:240,783,084, plus strand): 5'-AGCCGGGCCGGGCCACTCACCATTTCAGCCAGGGCGGAGATGACCTTGCCCAGGGTGGTC[A>T]GCGACTTGTTGATGTTGGCCCCCTCCTGCGGGCAGAAAAGACAGTGGGGTTGGGATGCTG-3'
Protein context (NP_001230937.1, residues 265-285): LKEGANINKS[Leu275Gln]TTLGKVISAL

ClinVar aggregate classification (germline): Likely pathogenic (1 of 4 stars; one submission).

Conditions:
Neuropathy, hereditary sensory, type 2C. Also called: KIF1A-Related HSAN2 (HSAN2C); Hereditary sensory and autonomic neuropathy type IIC. Identifiers: Orphanet 970, MedGen C3280168, MONDO:0013634, OMIM 614213.
Hereditary spastic paraplegia 30. Identifiers: Orphanet 101010, MedGen C5235139, MONDO:0012476.
Intellectual disability, autosomal dominant 9 (NESCAVS). Also called: NESCAV SYNDROME; KIF1A-Related Neurodevelopmental Disorder. Identifiers: Orphanet 662367, MedGen C5393830, MONDO:0013656, OMIM 614255.

Submission:

Labcorp Genetics (formerly Invitae), Labcorp
Classification: Likely pathogenic for Hereditary spastic paraplegia 30; Neuropathy, hereditary sensory, type 2C; Intellectual disability, autosomal dominant 9. Last evaluated: 2023-04-14. Review status: criteria provided, single submitter. Criteria: Invitae Variant Classification Sherloc (09022015). Collection method: clinical testing. Allele origin: germline.
Comment: This sequence change replaces leucine, which is neutral and non-polar, with glutamine, which is neutral and polar, at codon 275 of the KIF1A protein (p.Leu275Gln). This variant is not present in population databases (gnomAD no frequency). This variant has not been reported in the literature in individuals affected with KIF1A-related conditions. Advanced modeling of protein sequence and biophysical properties (such as structural, functional, and spatial information, amino acid conservation, physicochemical variation, residue mobility, and thermodynamic stability) performed at Invitae indicates that this missense variant is expected to disrupt KIF1A protein function. This variant disrupts the p.Leu275 amino acid residue in KIF1A. Other variant(s) that disrupt this residue have been determined to be pathogenic (PMID: 33880452). This suggests that this residue is clinically significant, and that variants that disrupt this residue are likely to be disease-causing. In summary, the currently available evidence indicates that the variant is pathogenic, but additional data are needed to prove that conclusively. Therefore, this variant has been classified as Likely Pathogenic.

Literature cited by the submitters: PubMed 33880452.